The following is an entry in ClinVar:

NM_015338.6(ASXL1):c.347C>A (p.Ala116Asp)

Gene: ASXL1 (ASXL transcriptional regulator 1; plus strand). Cytogenetic location: 20q11.21.
Variant type: single nucleotide variant.
Coding change: c.347C>A on transcript NM_015338.6 (MANE Select); coding-DNA position 347, C replaced by A.
Protein change: p.Ala116Asp; replaces alanine 116 with aspartic acid.
Molecular consequence: missense variant.
Genome position (GRCh38, 1-based): chr20:32,428,222, C>A. VCF-style: chr20-32428222-C-A. GRCh37 (hg19) VCF-style: chr20-31016025-C-A.
Other names: c.317C>A, p.Ala106Asp (NM_001363734.1); short protein forms A106D, A116D.
Identifiers: ClinVar variation 1715822 (VCV001715822.5), dbSNP rs2123209446, ClinGen allele CA408551627.

ClinVar aggregate classification (germline): Uncertain significance (1 of 4 stars; one submission).

Submission:

Labcorp Genetics (formerly Invitae), Labcorp
Classification: Uncertain significance. Last evaluated: 2022-11-19. Review status: criteria provided, single submitter. Criteria: Invitae Variant Classification Sherloc (09022015). Collection method: clinical testing. Allele origin: germline.
Comment: This sequence change replaces alanine, which is neutral and non-polar, with aspartic acid, which is acidic and polar, at codon 116 of the ASXL1 protein (p.Ala116Asp). This variant is not present in population databases (gnomAD no frequency). This variant has not been reported in the literature in individuals affected with ASXL1-related conditions. Algorithms developed to predict the effect of missense changes on protein structure and function are either unavailable or do not agree on the potential impact of this missense change (SIFT: "Deleterious"; PolyPhen-2: "Possibly Damaging"; Align-GVGD: "Class C0"). In summary, the available evidence is currently insufficient to determine the role of this variant in disease. Therefore, it has been classified as a Variant of Uncertain Significance.